The following is an entry in ClinVar:

ClinVar aggregate classification (germline): Pathogenic (0 of 4 stars; one submission).

Conditions:
Alkaptonuria (AKU). Also called: Alkaptonuric ochronosis; Homogentisic acidura; HOMOGENTISIC ACID OXIDASE DEFICIENCY; Alcaptonuria. Identifiers: Orphanet 56, MedGen C0002066, MONDO:0008753, OMIM 203500.

Allele frequency attached by ClinVar (database versions not stated): gnomAD exomes below 0.00001; ExAC 0.00001.
gnomAD v4.1: 1 of 1,539,618 alleles (0.000065%); highest among the groups gnomAD compares: Non-Finnish European, 0.00009%; no homozygotes.

Submission:

Department Of Human Genetics, Institute Of Clinical And Translational Research, Biomedical Research Center, Slovak Academy Of Sciences
Classification: Pathogenic for Alkaptonuria. Review status: no assertion criteria provided. Collection method: research. Allele origin: germline. Inheritance: Autosomal recessive inheritance. Affected: yes. Observed: 1 variant allele.
Comment: The variant was originally described in PMID:12501223. It has been submitted to the HGD gene mutation database (DB-ID: AKU_00015).

Literature cited by the submitters: PubMed 12501223.

NM_000187.4(HGD):c.177-2A>G

Gene: HGD (homogentisate 1,2-dioxygenase; minus strand). Cytogenetic location: 3q13.33.
Variant type: single nucleotide variant.
Coding change: c.177-2A>G on transcript NM_000187.4 (MANE Select); the canonical splice acceptor site of the intron before coding-DNA position 177, A replaced by G.
Molecular consequence: splice acceptor variant.
Genome position (GRCh38, 1-based): chr3:120,670,534, T>C on the plus strand (A>G on the coding strand, the complement: HGD is on the minus strand). VCF-style: chr3-120670534-T-C. GRCh37 (hg19) VCF-style: chr3-120389381-T-C.
Identifiers: ClinVar variation 2584771 (VCV002584771.2), dbSNP rs762524252, ClinGen allele CA2560309.